The following is an entry in ClinVar:

ClinVar aggregate classification (germline): Uncertain significance. Review status: criteria provided, multiple submitters, no conflicts (2 of 4 stars). 2 submissions from 2 submitters: Uncertain significance (2). Last evaluated 2025-10-27.

Conditions:
Arrhythmogenic right ventricular dysplasia 13. Also called: ARRHYTHMOGENIC RIGHT VENTRICULAR CARDIOMYOPATHY 13; Arrhythmogenic right ventricular dysplasia, familial, 13. Identifiers: MedGen C3810138, MONDO:0000908, OMIM 615616.

Submissions (2):

Ambry Genetics
Classification: Uncertain significance. Last evaluated: 2025-10-27. Review status: criteria provided, single submitter. Criteria: Ambry Variant Classification Scheme 2023. Collection method: clinical testing. Allele origin: germline.
Comment: The p.D372N variant (also known as c.1114G>A), located in coding exon 7 of the CTNNA3 gene, results from a G to A substitution at nucleotide position 1114. The aspartic acid at codon 372 is replaced by asparagine, an amino acid with highly similar properties. This amino acid position is conserved. In addition, this alteration is predicted to be tolerated by in silico analysis. Based on the available evidence, the clinical significance of this variant remains unclear.

Labcorp Genetics (formerly Invitae), Labcorp
Classification: Uncertain significance for Arrhythmogenic right ventricular dysplasia 13. Last evaluated: 2022-07-01. Review status: criteria provided, single submitter. Criteria: Invitae Variant Classification Sherloc (09022015). Collection method: clinical testing. Allele origin: germline.
Comment: This variant has not been reported in the literature in individuals affected with CTNNA3-related conditions. This variant is not present in population databases (gnomAD no frequency). This sequence change replaces aspartic acid, which is acidic and polar, with asparagine, which is neutral and polar, at codon 372 of the CTNNA3 protein (p.Asp372Asn). Algorithms developed to predict the effect of missense changes on protein structure and function are either unavailable or do not agree on the potential impact of this missense change (SIFT: "Deleterious"; PolyPhen-2: "Benign"; Align-GVGD: "Class C0"). In summary, the available evidence is currently insufficient to determine the role of this variant in disease. Therefore, it has been classified as a Variant of Uncertain Significance.

NM_013266.4(CTNNA3):c.1114G>A (p.Asp372Asn)

Gene: CTNNA3 (catenin alpha 3; minus strand). Cytogenetic location: 10q21.3.
Variant type: single nucleotide variant.
Coding change: c.1114G>A on transcript NM_013266.4 (MANE Select); coding-DNA position 1114, G replaced by A.
Protein change: p.Asp372Asn; replaces aspartic acid 372 with asparagine.
Molecular consequence: missense variant.
Genome position (GRCh38, 1-based): chr10:66,775,458, C>T on the plus strand (G>A on the coding strand, the complement: CTNNA3 is on the minus strand). VCF-style: chr10-66775458-C-T. GRCh37 (hg19) VCF-style: chr10-68535216-C-T.
Other names: c.1114G>A, p.Asp372Asn (NM_001127384.3); c.1114G>A (NM_013266.2); short protein forms D372N.
Identifiers: ClinVar variation 1911599 (VCV001911599.6), dbSNP rs2547557542, ClinGen allele CA377092137.